The following is an entry in ClinVar:

ClinVar aggregate classification (germline): Uncertain significance. Review status: criteria provided, multiple submitters, no conflicts (2 of 4 stars). 4 submissions from 4 submitters: Uncertain significance (4). Last evaluated 2024-07-22.

Conditions:
Cardiovascular phenotype. Identifiers: MedGen CN230736.
Catecholaminergic polymorphic ventricular tachycardia (CVPT). Also called: Catecholamine-induced polymorphic ventricular tachycardia. Identifiers: Orphanet 3286, MedGen C5574922, MONDO:0017990.
Catecholaminergic polymorphic ventricular tachycardia 1. Also called: VENTRICULAR TACHYCARDIA, CATECHOLAMINERGIC POLYMORPHIC, 1, WITH OR WITHOUT ATRIAL DYSFUNCTION AND/OR DILATED CARDIOMYOPATHY; RYR2-Related Catecholaminergic Polymorphic Ventricular Tachycardia; VENTRICULAR TACHYCARDIA, STRESS-INDUCED POLYMORPHIC 1. Identifiers: Orphanet 3286, MedGen C1631597, MONDO:0011484, OMIM 604772.
Cardiomyopathy (CMYO). Also called: Cardiomyopathies. Identifiers: Orphanet 167848, MedGen C0878544, MONDO:0004994, HP:0001638. Inheritance: Various modes of inheritance.

Allele frequency attached by ClinVar (database versions not stated): gnomAD exomes below 0.00001; gnomAD 0.00002; TOPMed 0.00002.
gnomAD v4.1: 5 of 1,509,400 alleles (0.00033%); highest among the groups gnomAD compares: African/African-American, 0.0056%; no homozygotes.

Submissions (4):

Labcorp Genetics (formerly Invitae), Labcorp
Classification: Uncertain significance for Catecholaminergic polymorphic ventricular tachycardia 1. Last evaluated: 2024-07-22. Review status: criteria provided, single submitter. Criteria: Invitae Variant Classification Sherloc (09022015). Collection method: clinical testing. Allele origin: germline.
Comment: This sequence change replaces leucine, which is neutral and non-polar, with valine, which is neutral and non-polar, at codon 2800 of the RYR2 protein (p.Leu2800Val). This variant is not present in population databases (gnomAD no frequency). This variant has not been reported in the literature in individuals affected with RYR2-related conditions. ClinVar contains an entry for this variant (Variation ID: 404192). Advanced modeling of protein sequence and biophysical properties (such as structural, functional, and spatial information, amino acid conservation, physicochemical variation, residue mobility, and thermodynamic stability) performed at Invitae indicates that this missense variant is not expected to disrupt RYR2 protein function with a negative predictive value of 95%. In summary, the available evidence is currently insufficient to determine the role of this variant in disease. Therefore, it has been classified as a Variant of Uncertain Significance.

All of Us Research Program, National Institutes of Health
Classification: Uncertain significance for Catecholaminergic polymorphic ventricular tachycardia. Last evaluated: 2023-12-18. Review status: criteria provided, single submitter. Criteria: ACMG Guidelines, 2015. Collection method: clinical testing. Allele origin: germline. Inheritance: Autosomal dominant inheritance. Observed: 1 variant allele, 1 heterozygote.
Comment: This missense variant replaces leucine with valine at codon 2800 of the RYR2 protein. Computational prediction suggests that this variant may not impact protein structure and function (internally defined REVEL score threshold <= 0.5, PMID: 27666373). To our knowledge, functional studies have not been reported for this variant. This variant has not been reported in individuals affected with cardiovascular disorders in the literature. This variant has not been identified in the general population by the Genome Aggregation Database (gnomAD). The available evidence is insufficient to determine the role of this variant in disease conclusively. Therefore, this variant is classified as a Variant of Uncertain Significance.

This study involves interpretation of variants in research participants for the purpose of population health screening. Participant phenotype was not available at the time of variant classification. Additional details can be found in publication PMID: 35346344, PMCID: PMC8962531

Color Diagnostics, LLC DBA Color Health
Classification: Uncertain significance for Cardiomyopathy. Last evaluated: 2023-11-28. Review status: criteria provided, single submitter. Criteria: ACMG Guidelines, 2015. Collection method: clinical testing. Allele origin: germline.
Comment: This missense variant replaces leucine with valine at codon 2800 of the RYR2 protein. Computational prediction suggests that this variant may not impact protein structure and function (internally defined REVEL score threshold <= 0.5, PMID: 27666373). To our knowledge, functional studies have not been reported for this variant. This variant has not been reported in individuals affected with cardiovascular disorders in the literature. This variant has not been identified in the general population by the Genome Aggregation Database (gnomAD). The available evidence is insufficient to determine the role of this variant in disease conclusively. Therefore, this variant is classified as a Variant of Uncertain Significance.

Ambry Genetics
Classification: Uncertain significance for Cardiovascular phenotype. Last evaluated: 2022-06-22. Review status: criteria provided, single submitter. Criteria: Ambry Variant Classification Scheme 2023. Collection method: clinical testing. Allele origin: germline.
Comment: The p.L2800V variant (also known as c.8398C>G), located in coding exon 56 of the RYR2 gene, results from a C to G substitution at nucleotide position 8398. The leucine at codon 2800 is replaced by valine, an amino acid with highly similar properties. This amino acid position is well conserved in available vertebrate species. In addition, the in silico prediction for this alteration is inconclusive. Since supporting evidence is limited at this time, the clinical significance of this alteration remains unclear.

Literature cited by the submitters: PubMed 31078384 (cited by Ambry Genetics).

NM_001035.3(RYR2):c.8398C>G (p.Leu2800Val)

Gene: RYR2 (ryanodine receptor 2; plus strand). Cytogenetic location: 1q43.
Variant type: single nucleotide variant.
Coding change: c.8398C>G on transcript NM_001035.3 (MANE Select); coding-DNA position 8398, C replaced by G.
Protein change: p.Leu2800Val; replaces leucine 2800 with valine.
Molecular consequence: missense variant.
Genome position (GRCh38, 1-based): chr1:237,660,909, C>G. VCF-style: chr1-237660909-C-G. GRCh37 (hg19) VCF-style: chr1-237824209-C-G.
Other names: c.8398C>G, p.Leu2800Val (LRG_402t1); short protein forms L2800V.
Identifiers: ClinVar variation 404192 (VCV000404192.56), dbSNP rs1060500143, ClinGen allele CA16610042.